The following is an entry in ClinVar:

NM_005732.4(RAD50):c.1624A>G (p.Thr542Ala)

Gene: RAD50 (RAD50 double strand break repair protein; plus strand). Cytogenetic location: 5q31.1.
Variant type: single nucleotide variant.
Coding change: c.1624A>G on transcript NM_005732.4 (MANE Select); coding-DNA position 1624, A replaced by G.
Protein change: p.Thr542Ala; replaces threonine 542 with alanine.
Molecular consequence: missense variant.
Genome position (GRCh38, 1-based): chr5:132,591,395, A>G. VCF-style: chr5-132591395-A-G. GRCh37 (hg19) VCF-style: chr5-131927087-A-G.
Other names: short protein forms T542A.
Identifiers: ClinVar variation 187267 (VCV000187267.15), dbSNP rs786203599, ClinGen allele CA197191.

ClinVar aggregate classification (germline): Uncertain significance. Review status: criteria provided, multiple submitters, no conflicts (2 of 4 stars). 3 submissions from 3 submitters: Uncertain significance (3). Last evaluated 2025-11-10.

Conditions:
Hereditary cancer-predisposing syndrome. Also called: Tumor predisposition; Neoplastic Syndromes, Hereditary; Hereditary neoplastic syndrome; Hereditary Cancer Syndrome. Identifiers: Orphanet 140162, MedGen C0027672, MeSH D009386, MONDO:0015356.

Submissions (3):

Labcorp Genetics (formerly Invitae), Labcorp
Classification: Uncertain significance for Hereditary cancer-predisposing syndrome. Last evaluated: 2025-11-10. Review status: criteria provided, single submitter. Criteria: Invitae Variant Classification Sherloc (09022015). Collection method: clinical testing. Allele origin: germline.
Comment: This sequence change replaces threonine, which is neutral and polar, with alanine, which is neutral and non-polar, at codon 542 of the RAD50 protein (p.Thr542Ala). This variant is not present in population databases (gnomAD no frequency). This variant has not been reported in the literature in individuals affected with RAD50-related conditions. ClinVar contains an entry for this variant (Variation ID: 187267). Invitae Evidence Modeling of protein sequence and biophysical properties (such as structural, functional, and spatial information, amino acid conservation, physicochemical variation, residue mobility, and thermodynamic stability) indicates that this missense variant is not expected to disrupt RAD50 protein function with a negative predictive value of 80%. In summary, the available evidence is currently insufficient to determine the role of this variant in disease. Therefore, it has been classified as a Variant of Uncertain Significance.

Blueprint Genetics
Classification: Uncertain significance. Last evaluated: 2023-06-29. Review status: criteria provided, single submitter. Criteria: ACMG Guidelines, 2015. Collection method: clinical testing. Allele origin: germline.

Ambry Genetics
Classification: Uncertain significance for Hereditary cancer-predisposing syndrome. Last evaluated: 2018-12-26. Review status: criteria provided, single submitter. Criteria: Ambry Variant Classification Scheme 2023. Collection method: clinical testing. Allele origin: germline.
Comment: The p.T542A variant (also known as c.1624A>G), located in coding exon 10 of the RAD50 gene, results from an A to G substitution at nucleotide position 1624. The threonine at codon 542 is replaced by alanine, an amino acid with similar properties. This amino acid position is not well conserved in available vertebrate species. In addition, this alteration is predicted to be tolerated by in silico analysis. Since supporting evidence is limited at this time, the clinical significance of this alteration remains unclear.